The following is an entry in ClinVar:

NM_000260.4(MYO7A):c.1091C>A (p.Pro364Gln)

Gene: MYO7A (myosin VIIA; plus strand). Cytogenetic location: 11q13.5.
Variant type: single nucleotide variant.
Coding change: c.1091C>A on transcript NM_000260.4 (MANE Select); coding-DNA position 1091, C replaced by A.
Protein change: p.Pro364Gln; replaces proline 364 with glutamine.
Molecular consequence: missense variant.
Genome position (GRCh38, 1-based): chr11:77,160,173, C>A. VCF-style: chr11-77160173-C-A. GRCh37 (hg19) VCF-style: chr11-76871219-C-A.
Other names: c.1091C>A (NM_000260.3); c.1058C>A, p.Pro353Gln (NM_001369365.1); c.1091C>A, p.Pro364Gln (NM_001127180.2); short protein forms P364Q, P353Q.
Identifiers: ClinVar variation 284263 (VCV000284263.12), dbSNP rs782441745, ClinGen allele CA6197383.

ClinVar aggregate classification (germline): Uncertain significance. Review status: criteria provided, multiple submitters, no conflicts (2 of 4 stars). 6 submissions from 6 submitters: Uncertain significance (6). Last evaluated 2025-09-25.

Conditions:
MYO7A-related disorder. Also called: MYO7A-related disorders.
Inborn genetic diseases. Identifiers: MedGen C0950123, MeSH D030342.
Usher syndrome type 1 (USH1). Also called: RETINITIS PIGMENTOSA AND CONGENITAL DEAFNESS. Identifiers: Orphanet 231169, Orphanet 886, MedGen C1568247, MONDO:0010168, OMIM 276900.
Autosomal dominant nonsyndromic hearing loss 11. Identifiers: Orphanet 90635, MedGen C1832475, MONDO:0011032, OMIM 601317.
Autosomal recessive nonsyndromic hearing loss 2. Also called: NEUROSENSORY NONSYNDROMIC RECESSIVE DEAFNESS 2; DEAFNESS, AUTOSOMAL RECESSIVE 2. Identifiers: Orphanet 90636, MedGen C1838701, MONDO:0010807, OMIM 600060.

Allele frequency attached by ClinVar (database versions not stated): TOPMed 0.00003; gnomAD exomes 0.00006; gnomAD 0.00011; ExAC 0.00023.
gnomAD v4.1: 92 of 1,561,964 alleles (0.0059%); highest among the groups gnomAD compares: Non-Finnish European, 0.0075%; no homozygotes.

Submissions (6):

Ambry Genetics
Classification: Uncertain significance for Inborn genetic diseases. Last evaluated: 2025-09-25. Review status: criteria provided, single submitter. Criteria: Ambry Variant Classification Scheme 2023. Collection method: clinical testing. Allele origin: germline.

Labcorp Genetics (formerly Invitae), Labcorp
Classification: Uncertain significance. Last evaluated: 2024-10-28. Review status: criteria provided, single submitter. Criteria: Invitae Variant Classification Sherloc (09022015). Collection method: clinical testing. Allele origin: germline.
Comment: This sequence change replaces proline, which is neutral and non-polar, with glutamine, which is neutral and polar, at codon 364 of the MYO7A protein (p.Pro364Gln). This variant is present in population databases (rs782441745, gnomAD 0.03%). This variant has not been reported in the literature in individuals affected with MYO7A-related conditions. ClinVar contains an entry for this variant (Variation ID: 284263). Invitae Evidence Modeling of protein sequence and biophysical properties (such as structural, functional, and spatial information, amino acid conservation, physicochemical variation, residue mobility, and thermodynamic stability) indicates that this missense variant is not expected to disrupt MYO7A protein function with a negative predictive value of 95%. In summary, the available evidence is currently insufficient to determine the role of this variant in disease. Therefore, it has been classified as a Variant of Uncertain Significance.

Blueprint Genetics
Classification: Uncertain significance. Last evaluated: 2024-10-03. Review status: criteria provided, single submitter. Criteria: ACMG Guidelines, 2015. Collection method: clinical testing. Allele origin: germline.

PreventionGenetics, part of Exact Sciences
Classification: Uncertain significance for MYO7A-related condition. Last evaluated: 2023-05-03. Review status: criteria provided, single submitter. Criteria: ACMG Guidelines, 2015. Collection method: clinical testing. Allele origin: germline.
Comment: The MYO7A c.1091C>A variant is predicted to result in the amino acid substitution p.Pro364Gln. To our knowledge, this variant has not been reported in the literature. This variant is reported in 0.027% of alleles in individuals of European (Non-Finnish) descent in gnomAD. At this time, the clinical significance of this variant is uncertain due to the absence of conclusive functional and genetic evidence.

Department of Pathology and Laboratory Medicine, Sinai Health System
Classification: Uncertain significance for Usher syndrome type 1; Autosomal recessive nonsyndromic hearing loss 2; Autosomal dominant nonsyndromic hearing loss 11. Last evaluated: 2022-02-18. Review status: criteria provided, single submitter. Criteria: ACMG Guidelines, 2015. Collection method: research. Allele origin: germline.

Eurofins Ntd Llc (ga)
Classification: Uncertain significance. Last evaluated: 2015-10-26. Review status: criteria provided, single submitter. Criteria: EGL Classification Definitions 2015. Collection method: clinical testing. Allele origin: germline. Observed: 1 variant allele, 1 heterozygote.